The following is an entry in ClinVar:

ClinVar aggregate classification (germline): Uncertain significance (1 of 4 stars; one submission).

Submission:

Labcorp Genetics (formerly Invitae), Labcorp
Classification: Uncertain significance. Last evaluated: 2025-07-27. Review status: criteria provided, single submitter. Criteria: Invitae Variant Classification Sherloc (09022015). Collection method: clinical testing. Allele origin: germline.
Comment: This sequence change replaces glutamine, which is neutral and polar, with glutamic acid, which is acidic and polar, at codon 152 of the NTHL1 protein (p.Gln152Glu). This variant is not present in population databases (gnomAD no frequency). This variant has not been reported in the literature in individuals affected with NTHL1-related conditions. An algorithm developed to predict the effect of missense changes on protein structure and function outputs the following: PolyPhen-2: "Benign". The glutamic acid amino acid residue is found in multiple mammalian species, which suggests that this missense change does not adversely affect protein function. In summary, the available evidence is currently insufficient to determine the role of this variant in disease. Therefore, it has been classified as a Variant of Uncertain Significance.

NM_002528.7(NTHL1):c.430C>G (p.Gln144Glu)

Gene: NTHL1 (nth like DNA glycosylase 1; minus strand). Cytogenetic location: 16p13.3.
Variant type: single nucleotide variant.
Coding change: c.430C>G on transcript NM_002528.7 (MANE Select); coding-DNA position 430, C replaced by G.
Protein change: p.Gln144Glu; replaces glutamine 144 with glutamic acid.
Molecular consequence: missense variant. On other transcripts: intron variant (1).
Genome position (GRCh38, 1-based): chr16:2,044,725, G>C on the plus strand (C>G on the coding strand, the complement: NTHL1 is on the minus strand). VCF-style: chr16-2044725-G-C. GRCh37 (hg19) VCF-style: chr16-2094726-G-C.
Other names: c.100C>G, p.Gln34Glu (NM_001318194.2); c.355-999C>G (NM_001318193.2); short protein forms Q34E, Q144E.
Identifiers: ClinVar variation 4724018 (VCV004724018.1).
Genomic context (GRCh38, chr16:2,044,725, plus strand): 5'-GCGTGGCATCATCTGTCTGCAGGATGCTGTCCACCGTCAGGCCCCGCGCCCGCAGTCGCT[G>C]CATGGCGCCCGCCGTCACCTGGTCTTTGGTTTGGCTGGAGAGCATCAGTGACAGCAGCAC-3'
Protein context (NP_002519.2, residues 134-154): TKDQVTAGAM[Gln144Glu]RLRARGLTVD